The following is an entry in ClinVar:

ClinVar aggregate classification (germline): Likely benign (1 of 4 stars; one submission).

gnomAD v4.1: 253 of 1,610,970 alleles (0.016%); highest among the groups gnomAD compares: Non-Finnish European, 0.0038%; 1 homozygote.

Submission:

CeGaT Center for Human Genetics Tuebingen
Classification: Likely benign. Last evaluated: 2026-05-01. Review status: criteria provided, single submitter. Criteria: CeGaT Center For Human Genetics Tuebingen Variant Classification Criteria Version 2. Collection method: clinical testing. Allele origin: germline. Affected: yes. Observed: 1 variant allele.
Comment: PRR12: BS2

NM_020719.3(PRR12):c.2113C>T (p.Arg705Cys)

Gene: PRR12 (proline rich 12; plus strand). Cytogenetic location: 19q13.33.
Variant type: single nucleotide variant.
Coding change: c.2113C>T on transcript NM_020719.3 (MANE Select); coding-DNA position 2113, C replaced by T.
Protein change: p.Arg705Cys; replaces arginine 705 with cysteine.
Molecular consequence: missense variant.
Genome position (GRCh38, 1-based): chr19:49,596,448, C>T. VCF-style: chr19-49596448-C-T. GRCh37 (hg19) VCF-style: chr19-50099705-C-T.
Other names: short protein forms R705C.
Identifiers: ClinVar variation 4872423 (VCV004872423.2).